The following is an entry in ClinVar:

NM_000535.7(PMS2):c.251-11C>T

Gene: PMS2 (PMS1 homolog 2, mismatch repair system component; minus strand). Cytogenetic location: 7p22.1.
Variant type: single nucleotide variant.
Coding change: c.251-11C>T on transcript NM_000535.7 (MANE Select); 11 bases into the intron before coding-DNA position 251, C replaced by T.
Molecular consequence: intron variant.
Genome position (GRCh38, 1-based): chr7:6,003,803, G>A on the plus strand (C>T on the coding strand, the complement: PMS2 is on the minus strand). VCF-style: chr7-6003803-G-A. GRCh37 (hg19) VCF-style: chr7-6043434-G-A.
Other names: c.35+169C>T (NM_001322008.2, NM_001322007.2); c.-155-11C>T (NM_001322010.2, NM_001322004.2, NM_001322013.2 and 3 more transcripts); c.-634-11C>T (NM_001322012.2, NM_001322011.2); c.-234-11C>T (NM_001322015.2); c.251-11C>T (NM_001322006.2, NM_001322014.2, NM_000535.5).
Identifiers: ClinVar variation 1530744 (VCV001530744.10), dbSNP rs761795058, ClinGen allele CA048559.

ClinVar aggregate classification (germline): Likely benign. Review status: criteria provided, multiple submitters, no conflicts (2 of 4 stars). 3 submissions from 3 submitters: Likely benign (3). Last evaluated 2026-02-27.

Conditions:
Lynch syndrome 4 (LYNCH4). Also called: Hereditary non-polyposis colorectal cancer, type 4; Colorectal cancer, hereditary nonpolyposis, type 4. Identifiers: Orphanet 144, MedGen C1838333, MONDO:0013699, OMIM 614337. Disease mechanism: loss of function.
Hereditary nonpolyposis colorectal neoplasms. Identifiers: MedGen C0009405, MeSH D003123.
Hereditary cancer-predisposing syndrome. Also called: Neoplastic Syndromes, Hereditary; Tumor predisposition; Hereditary Cancer Syndrome; Hereditary neoplastic syndrome. Identifiers: Orphanet 140162, MedGen C0027672, MeSH D009386, MONDO:0015356.

Allele frequency attached by ClinVar (database versions not stated): gnomAD exomes below 0.00001.
gnomAD v4.1: 4 of 1,556,368 alleles (0.00026%); highest among the groups gnomAD compares: South Asian, 0.0011%; no homozygotes.

Submissions (3):

Ambry Genetics
Classification: Likely benign for Hereditary cancer-predisposing syndrome. Last evaluated: 2026-02-27. Review status: criteria provided, single submitter. Criteria: Ambry Variant Classification Scheme 2023. Collection method: clinical testing. Allele origin: germline.

Myriad Genetics, Inc.
Classification: Likely benign for Lynch syndrome 4. Last evaluated: 2025-01-24. Review status: criteria provided, single submitter. Criteria: Myriad Autosomal Dominant, Autosomal Recessive and X-Linked Classification Criteria (2023). Collection method: clinical testing. Allele origin: unknown.
Comment: This variant is considered likely benign. This variant is intronic and is not expected to impact mRNA splicing.

Labcorp Genetics (formerly Invitae), Labcorp
Classification: Likely benign for Hereditary nonpolyposis colorectal neoplasms. Last evaluated: 2024-11-24. Review status: criteria provided, single submitter. Criteria: Invitae Variant Classification Sherloc (09022015). Collection method: clinical testing. Allele origin: germline.